The following is an entry in ClinVar:

NM_003172.4(SURF1):c.632_642del (p.Glu211fs)

Gene: SURF1 (SURF1 cytochrome c oxidase assembly factor; minus strand). Cytogenetic location: 9q34.2.
Variant type: Deletion.
Coding change: c.632_642del on transcript NM_003172.4 (MANE Select); coding-DNA positions 632 to 642, 11 bases deleted (AAACCAGGCAG).
Protein change: p.Glu211fs; shifts the reading frame from glutamic acid 211.
Molecular consequence: frameshift variant.
Genome position (GRCh38, 1-based): chr9:133,352,555-133,352,565, CTGCCTGGTTT deleted on the plus strand (AAACCAGGCAG on the coding strand, the reverse complement: SURF1 is on the minus strand); deleting any 11 consecutive bases within chr9:133,352,555-133,352,568 gives the same sequence; the c. name uses the placement nearest the transcript's 3' end. VCF-style (leftmost placement, unchanged base first): chr9-133352554-GCTGCCTGGTTT-G. GRCh37 (hg19) VCF-style: chr9-136219409-GCTGCCTGGTTT-G.
Other names: c.632_642del11 (NM_003172.3); c.305_315del, p.Glu102fs (NM_001280787.1); short protein forms E102fs, E211fs.
Identifiers: ClinVar variation 1413577 (VCV001413577.8), dbSNP rs781954439, ClinGen allele CA200832387.

ClinVar aggregate classification (germline): Pathogenic/Likely pathogenic. Review status: criteria provided, multiple submitters, no conflicts (2 of 4 stars). 3 submissions from 3 submitters: Pathogenic (1); Likely pathogenic (2). Last evaluated 2025-12-15.

Conditions:
SURF1-related disorder. Also called: SURF1-related condition.
Leigh syndrome (NULS). Also called: Leigh's syndrome; Leigh Syndrome (mtDNA deletion); Leigh Disease; Subacute necrotizing encephalopathy; Necrotizing encephalopathy infantile subacute of Leigh; LEIGH SYNDROME, NUCLEAR. Identifiers: Orphanet 506, MedGen C2931891, MONDO:0009723, OMIM 256000.
Mitochondrial complex IV deficiency, nuclear type 1 (MC4DN1). Also called: Complex 4 mitochondrial respiratory chain deficiency; Deficiency of mitochondrial respiratory chain complex4; Complex IV deficiency; COX DEFICIENCY; Mitochondrial complex IV deficiency. Identifiers: MedGen C5435656, MONDO:0700250, OMIM 220110. Disease mechanism: loss of function.
Charcot-Marie-Tooth disease type 4K. Also called: CHARCOT-MARIE-TOOTH DISEASE, DEMYELINATING, TYPE 4K; CHARCOT-MARIE-TOOTH DISEASE, DEMYELINATING, AUTOSOMAL RECESSIVE, TYPE 4K; CHARCOT-MARIE-TOOTH NEUROPATHY, DEMYELINATING, AUTOSOMAL RECESSIVE, TYPE 4K. Identifiers: Orphanet 391351, MedGen C4225246, MONDO:0014733, OMIM 616684.

Submissions (3):

PreventionGenetics, part of Exact Sciences
Classification: Likely pathogenic for SURF1-related condition. Last evaluated: 2025-12-15. Review status: criteria provided, single submitter. Criteria: ACMG Guidelines, 2015. Collection method: clinical testing. Allele origin: germline.
Comment: The SURF1 c.632_642del11 variant is predicted to result in a frameshift and premature protein termination (p.Glu211Alafs*5). To our knowledge, this variant has not been reported in the literature. This variant is reported in 0.0062% of alleles in individuals of African descent in gnomAD. Frameshift variants in SURF1 are expected to be pathogenic. This variant is interpreted as likely pathogenic.

Fulgent Genetics
Classification: Likely pathogenic for Mitochondrial complex IV deficiency, nuclear type 1; Charcot-Marie-Tooth disease type 4K. Last evaluated: 2024-02-01. Review status: criteria provided, single submitter. Criteria: ACMG Guidelines, 2015. Collection method: clinical testing. Allele origin: germline.

Labcorp Genetics (formerly Invitae), Labcorp
Classification: Pathogenic for Leigh syndrome. Last evaluated: 2023-10-22. Review status: criteria provided, single submitter. Criteria: Invitae Variant Classification Sherloc (09022015). Collection method: clinical testing. Allele origin: germline.
Comment: This sequence change creates a premature translational stop signal (p.Glu211Alafs*5) in the SURF1 gene. It is expected to result in an absent or disrupted protein product. Loss-of-function variants in SURF1 are known to be pathogenic (PMID: 10443880, 22488715, 24027061). This variant is present in population databases (rs781954439, gnomAD 0.007%). This variant has not been reported in the literature in individuals affected with SURF1-related conditions. ClinVar contains an entry for this variant (Variation ID: 1413577). Algorithms developed to predict the effect of sequence changes on RNA splicing suggest that this variant may disrupt the consensus splice site. For these reasons, this variant has been classified as Pathogenic.

Literature cited by the submitters: PubMed 10443880 (cited by Labcorp Genetics (formerly Invitae), Labcorp); PubMed 22488715 (cited by Labcorp Genetics (formerly Invitae), Labcorp); PubMed 24027061 (cited by Labcorp Genetics (formerly Invitae), Labcorp).